The following is an entry in ClinVar:

NM_001035.3(RYR2):c.7806C>T (p.His2602=)

Gene: RYR2 (ryanodine receptor 2; plus strand). Cytogenetic location: 1q43.
Variant type: single nucleotide variant.
Coding change: c.7806C>T on transcript NM_001035.3 (MANE Select); coding-DNA position 7806, C replaced by T.
Protein change: p.His2602=; no amino-acid change (histidine 2602 retained).
Molecular consequence: synonymous variant.
Genome position (GRCh38, 1-based): chr1:237,651,483, C>T. VCF-style: chr1-237651483-C-T. GRCh37 (hg19) VCF-style: chr1-237814783-C-T.
Other names: p.His2602=.
Identifiers: ClinVar variation 43827 (VCV000043827.41), dbSNP rs684923, ClinGen allele CA010762.

ClinVar aggregate classification (germline): Benign. Review status: criteria provided, multiple submitters, no conflicts (2 of 4 stars). 19 submissions from 16 submitters: Benign (17). 2 of the submissions do not count toward it. Last evaluated 2026-02-04.

Conditions:
Cardiac arrhythmia. Also called: Arrhythmia; Cardiac rhythm disease. Identifiers: MedGen C0003811, MONDO:0007263, HP:0011675.
Cardiovascular phenotype. Identifiers: MedGen CN230736.
Cardiomyopathy (CMYO). Also called: Cardiomyopathies. Identifiers: Orphanet 167848, MedGen C0878544, MONDO:0004994, HP:0001638. Inheritance: Various modes of inheritance.
Catecholaminergic polymorphic ventricular tachycardia 1. Also called: VENTRICULAR TACHYCARDIA, CATECHOLAMINERGIC POLYMORPHIC, 1, WITH OR WITHOUT ATRIAL DYSFUNCTION AND/OR DILATED CARDIOMYOPATHY; VENTRICULAR TACHYCARDIA, STRESS-INDUCED POLYMORPHIC 1; RYR2-Related Catecholaminergic Polymorphic Ventricular Tachycardia. Identifiers: Orphanet 3286, MedGen C1631597, MONDO:0011484, OMIM 604772.
Arrhythmogenic right ventricular dysplasia 2. Identifiers: MedGen C1832931.
Catecholaminergic polymorphic ventricular tachycardia (CVPT). Also called: Catecholamine-induced polymorphic ventricular tachycardia. Identifiers: Orphanet 3286, MedGen C5574922, MONDO:0017990.

Allele frequency attached by ClinVar (database versions not stated): ESP Exome Variant Server 0.45073; gnomAD exomes 0.45989 and 0.47642; gnomAD 0.47802 and 0.48338; TOPMed 0.48421; ExAC 0.51982; 1000 Genomes Project 30x 0.54919; 1000 Genomes Project 0.55491.
gnomAD v4.1: 724,697 of 1,566,190 alleles (46%); highest among the groups gnomAD compares: East Asian, 81%; 172,431 homozygotes.

Submissions (19):

Labcorp Genetics (formerly Invitae), Labcorp
Classification: Benign for Catecholaminergic polymorphic ventricular tachycardia 1. Last evaluated: 2026-02-04. Review status: criteria provided, single submitter. Criteria: Invitae Variant Classification Sherloc (09022015). Collection method: clinical testing. Allele origin: germline.

Molecular Diagnostic Laboratory for Inherited Cardiovascular Disease, Montreal Heart Institute
Classification: Benign. Last evaluated: 2025-04-09. Review status: criteria provided, single submitter. Criteria: ACMG Guidelines, 2015. Collection method: clinical testing. Allele origin: germline. Affected: no.

Blueprint Genetics
Classification: Benign. Last evaluated: 2024-11-26. Review status: criteria provided, single submitter. Criteria: ACMG Guidelines, 2015. Collection method: clinical testing. Allele origin: germline.

All of Us Research Program, National Institutes of Health
Classification: Benign for Catecholaminergic polymorphic ventricular tachycardia. Last evaluated: 2024-02-05. Review status: criteria provided, single submitter. Criteria: ACMG Guidelines, 2015. Collection method: clinical testing. Allele origin: germline. Inheritance: Autosomal dominant inheritance. Observed: 74,460 variant alleles, 51,495 heterozygotes, 22,965 homozygotes.
Comment: This study involves interpretation of variants in research participants for the purpose of population health screening. Participant phenotype was not available at the time of variant classification. Additional details can be found in publication PMID: 35346344, PMCID: PMC8962531

Genome-Nilou Lab
Classification: Benign for Catecholaminergic polymorphic ventricular tachycardia 1. Last evaluated: 2021-11-07. Review status: criteria provided, single submitter. Criteria: ACMG Guidelines, 2015. Collection method: clinical testing. Allele origin: germline. Affected: no.

Genome-Nilou Lab
Classification: Benign for Ventricular arrhythmias due to cardiac ryanodine receptor calcium release deficiency syndrome. Last evaluated: 2021-11-07. Review status: criteria provided, single submitter. Criteria: ACMG Guidelines, 2015. Collection method: clinical testing. Allele origin: germline. Affected: no.

Genome-Nilou Lab
Classification: Benign for Catecholaminergic polymorphic ventricular tachycardia 1. Last evaluated: 2021-11-07. Review status: criteria provided, single submitter. Criteria: ACMG Guidelines, 2015. Collection method: clinical testing. Allele origin: germline. Affected: no.

Color Diagnostics, LLC DBA Color Health
Classification: Benign for Cardiomyopathy. Last evaluated: 2018-03-15. Review status: criteria provided, single submitter. Criteria: ACMG Guidelines, 2015. Collection method: clinical testing. Allele origin: germline.

Illumina Laboratory Services, Illumina
Classification: Benign for Catecholaminergic polymorphic ventricular tachycardia 1. Last evaluated: 2018-01-13. Review status: criteria provided, single submitter. Criteria: ICSL Variant Classification Criteria 13 December 2019. Collection method: clinical testing. Allele origin: germline.
Comment: This variant was observed in the ICSL laboratory as part of a predisposition screen in an ostensibly healthy population. It had not been previously curated by ICSL or reported in the Human Gene Mutation Database (HGMD: prior to June 1st, 2018), and was therefore a candidate for classification through an automated scoring system. Utilizing variant allele frequency, disease prevalence and penetrance estimates, and inheritance mode, an automated score was calculated to assess if this variant is too frequent to cause the disease. Based on the score and internal cut-off values, a variant classified as benign is not then subjected to further curation. The score for this variant resulted in a classification of benign for this disease.

Illumina Laboratory Services, Illumina
Classification: Benign for Catecholaminergic polymorphic ventricular tachycardia 1. Last evaluated: 2018-01-13. Review status: criteria provided, single submitter. Criteria: ICSL Variant Classification Criteria 13 December 2019. Collection method: clinical testing. Allele origin: germline.
Comment: the same text as in the submission from Illumina Laboratory Services, Illumina above.

Ambry Genetics
Classification: Benign for Cardiovascular phenotype. Last evaluated: 2015-03-09. Review status: criteria provided, single submitter. Criteria: Ambry Variant Classification Scheme 2023. Collection method: clinical testing. Allele origin: germline.

GeneDx
Classification: Benign. Last evaluated: 2015-03-03. Review status: criteria provided, single submitter. Criteria: GeneDx Variant Classification Process June 2021. Collection method: clinical testing. Allele origin: germline. Affected: yes.

Eurofins Ntd Llc (ga)
Classification: Benign. Last evaluated: 2014-09-08. Review status: criteria provided, single submitter. Criteria: EGL Classification Definitions 2015. Collection method: clinical testing. Allele origin: germline. Observed: 6 variant alleles, 2 heterozygotes, 4 homozygotes.

Mayo Clinic Laboratories, Mayo Clinic
Classification: Benign. Last evaluated: 2014-02-25. Review status: criteria provided, single submitter. Criteria: ACMG Guidelines, 2015. Collection method: clinical testing. Allele origin: germline. Observed: 955 variant alleles.

Laboratory for Molecular Medicine, Mass General Brigham Personalized Medicine
Classification: Benign. Last evaluated: 2011-09-16. Review status: criteria provided, single submitter. Criteria: LMM Criteria. Collection method: clinical testing. Allele origin: germline. Observed: 1,299 variant alleles.

Breakthrough Genomics
Classification: Benign. Review status: criteria provided, single submitter. Criteria: ACMG Guidelines, 2015. Collection method: not provided. Allele origin: germline. Inheritance: Autosomal dominant inheritance. Affected: yes.

PreventionGenetics, part of Exact Sciences
Classification: Benign. Review status: criteria provided, single submitter. Criteria: ACMG Guidelines, 2015. Collection method: clinical testing. Allele origin: germline.

Clinical Genetics, Academic Medical Center
Classification: Benign. Review status: no assertion criteria provided. Collection method: clinical testing. Allele origin: germline. Affected: yes. Study: VKGL Data-share Consensus. Not counted in ClinVar's aggregate classification.

Diagnostic Laboratory, Department of Genetics, University Medical Center Groningen
Classification: Benign. Review status: no assertion criteria provided. Collection method: clinical testing. Allele origin: germline. Affected: yes. Study: VKGL Data-share Consensus. Not counted in ClinVar's aggregate classification.